The following is an entry in ClinVar:

NC_000001.10:g.(?_153782653)_(154580482_?)dup

Genes: NUP210L (nucleoporin 210 like; minus strand), RAB13 (RAB13, member RAS oncogene family; minus strand), RPS27 (ribosomal protein S27; plus strand), UBE2Q1 (ubiquitin conjugating enzyme E2 Q1; minus strand), SHE (Src homology 2 domain containing E; minus strand) and 17 more. Cytogenetic location: 1q21.3.
Variant type: Duplication.
Identifiers: ClinVar variation 3247808 (VCV003247808.1).

ClinVar aggregate classification (germline): Uncertain significance (1 of 4 stars; one submission).

Conditions:
Aicardi-Goutieres syndrome 6 (AGS6). Identifiers: Orphanet 51, MedGen C3539013, MONDO:0014007, OMIM 615010.
Symmetrical dyschromatosis of extremities (DSH). Also called: SYMMETRIC DYSCHROMATOSIS OF THE EXTREMITIES; RETICULATE ACROPIGMENTATION OF DOHI; Dyschromatosis symmetrica hereditaria; DYSCHROMATOSIS SYMMETRICA HEREDITARIA 1. Identifiers: Orphanet 41, MedGen C0406775, MONDO:0007483, OMIM 127400.

Submission:

Labcorp Genetics (formerly Invitae), Labcorp
Classification: Uncertain significance for Aicardi-Goutieres syndrome 6; Symmetrical dyschromatosis of extremities. Last evaluated: 2022-06-29. Review status: criteria provided, single submitter. Criteria: Invitae Variant Classification Sherloc (09022015). Collection method: clinical testing. Allele origin: unknown.
Comment: In summary, the available evidence is currently insufficient to determine the role of this variant in disease. Therefore, it has been classified as a Variant of Uncertain Significance. Experimental studies and prediction algorithms are not available or were not evaluated, and the functional significance of this variant is currently unknown. This variant has not been reported in the literature in individuals affected with ADAR-related conditions. A copy number gain of the genomic region encompassing the full coding sequence of the ADAR gene has been identified. The boundaries of this event are unknown as they extend beyond the assayed region for this gene and therefore may encompass additional genes. As the precise location of this event is unknown, it may be in tandem or it may be located elsewhere in the genome.